The following is an entry in ClinVar:

ClinVar aggregate classification (germline): Uncertain significance (0 of 4 stars; one submission).

Conditions:
RIMS2-related disorder. Also called: RIMS2-related condition.

Allele frequency attached by ClinVar (database versions not stated): TOPMed below 0.00001.

Submission:

PreventionGenetics, part of Exact Sciences
Classification: Uncertain significance for RIMS2-related condition. Last evaluated: 2024-04-05. Review status: no assertion criteria provided. Collection method: clinical testing. Allele origin: germline.
Comment: The RIMS2 c.1643G>C variant is predicted to result in the amino acid substitution p.Gly548Ala. To our knowledge, this variant has not been reported in the literature or in a large population database, indicating this variant is rare. At this time, the clinical significance of this variant is uncertain due to the absence of conclusive functional and genetic evidence.

NM_001348484.3(RIMS2):c.1643G>C (p.Gly548Ala)

Gene: RIMS2 (regulating synaptic membrane exocytosis 2; plus strand). Cytogenetic location: 8q22.3.
Variant type: single nucleotide variant.
Coding change: c.1643G>C on transcript NM_001348484.3 (MANE Select); coding-DNA position 1643, G replaced by C.
Protein change: p.Gly548Ala; replaces glycine 548 with alanine.
Molecular consequence: missense variant. On other transcripts: non-coding transcript variant (2).
Genome position (GRCh38, 1-based): chr8:103,886,110, G>C. VCF-style: chr8-103886110-G-C. GRCh37 (hg19) VCF-style: chr8-104898338-G-C.
Other names: c.1511G>C, p.Gly504Ala (NM_001100117.3, NM_001348485.2, NM_001348489.2 and 3 more transcripts); c.935G>C, p.Gly312Ala (NM_001282881.2, NM_001348498.2, NM_001348499.2 and 11 more transcripts); c.1523G>C, p.Gly508Ala (NM_001348486.2, NM_001348487.2, NM_001348490.2 and 3 more transcripts); c.1643G>C, p.Gly548Ala (NM_001348488.2, NM_001395653.1, NM_001395654.1); c.1631G>C, p.Gly544Ala (NM_001348491.2); c.1553G>C, p.Gly518Ala (NM_001348495.2); short protein forms G312A, G504A, G508A, G518A, G544A, G548A.
Identifiers: ClinVar variation 2630031 (VCV002630031.2), dbSNP rs2099199231, ClinGen allele CA371931735.
Genomic context (GRCh38, chr8:103,886,110, plus strand): 5'-GTTCAGACCAGTCAGAGTCAGTGAGACCTCCACCACCAAAGCCTCATAAATCAAAGAAAG[G>C]CGGTAAAATGCGCCAGATTTCGTTGAGCAGTTCAGAGGAGGAATTGGCTTCCACGCCTGA-3'
Protein context (NP_001335413.1, residues 538-558): PPPKPHKSKK[Gly548Ala]GKMRQISLSS